The following is an entry in ClinVar:

ClinVar aggregate classification (germline): Likely pathogenic. Review status: criteria provided, multiple submitters, no conflicts (2 of 4 stars). 4 submissions from 4 submitters: Likely pathogenic (4). Last evaluated 2025-08-31.

Conditions:
LZTR1-related disorder. Also called: LZTR1-related disorders; LZTR1-related condition.
Cardiovascular phenotype. Identifiers: MedGen CN230736.
Hereditary cancer-predisposing syndrome. Also called: Hereditary Cancer Syndrome; Hereditary neoplastic syndrome; Neoplastic Syndromes, Hereditary; Tumor predisposition. Identifiers: Orphanet 140162, MedGen C0027672, MeSH D009386, MONDO:0015356.
LZTR1-related schwannomatosis. Also called: Schwannomatosis 2; Schwannomatosis-2, susceptibility to. Identifiers: Orphanet 93921, MedGen C3810283, MONDO:0014299, OMIM 615670.

gnomAD v4.1: 7 of 1,613,014 alleles (0.00043%); highest among the groups gnomAD compares: African/African-American, 0.008%; no homozygotes.

Submissions (4):

Labcorp Genetics (formerly Invitae), Labcorp
Classification: Likely pathogenic. Last evaluated: 2025-08-31. Review status: criteria provided, single submitter. Criteria: Invitae Variant Classification Sherloc (09022015). Collection method: clinical testing. Allele origin: germline.
Comment: This sequence change affects an acceptor splice site in intron 9 of the LZTR1 gene. It is expected to disrupt RNA splicing. Variants that disrupt the donor or acceptor splice site typically lead to a loss of protein function (PMID: 16199547), and loss-of-function variants in LZTR1 are known to be pathogenic (PMID: 24362817, 25335493, 25480913, 25795793, 29469822, 30368668, 30442762, 30442766, 30481304, 30859559). This variant is present in population databases (no rsID available, gnomAD 0.01%). This variant has not been reported in the literature in individuals affected with LZTR1-related conditions. ClinVar contains an entry for this variant (Variation ID: 1768685). Algorithms developed to predict the effect of sequence changes on RNA splicing suggest that this variant may disrupt the consensus splice site. In summary, the currently available evidence indicates that the variant is pathogenic, but additional data are needed to prove that conclusively. Therefore, this variant has been classified as Likely Pathogenic.

Ambry Genetics
Classification: Likely pathogenic for Cardiovascular phenotype; Hereditary cancer-predisposing syndrome. Last evaluated: 2024-11-20. Review status: criteria provided, single submitter. Criteria: Ambry Variant Classification Scheme 2023. Collection method: clinical testing. Allele origin: germline.
Comment: The c.994-1G>A intronic variant results from a G to A substitution one nucleotide upstream from coding exon 10 of the LZTR1 gene. This nucleotide position is highly conserved in available vertebrate species. In silico splice site analysis predicts that this alteration will weaken the native splice acceptor site and will result in the creation or strengthening of a novel splice acceptor site, and RNA studies have demonstrated that this alteration results in abnormal splicing in the set of samples tested (Ambry internal data). Alterations that disrupt the canonical splice site are expected to cause aberrant splicing, resulting in an abnormal protein or a transcript that is subject to nonsense-mediated mRNA decay. Loss-of-function variants in LZTR1 are related to an increased risk for schwannomas and autosomal recessive Noonan syndrome; however, such associations with autosomal dominant Noonan syndrome have not been observed (Piotrowski A et al. Nat Genet. 2014 Feb;46:182-7; Yamamoto GL et al. J Med Genet. 2015 Jun;52:413-21; Johnston JJ et al. Genet Med. 2018 10;20:1175-1185). Based on the supporting evidence, this variant is likely pathogenic for an increased risk of LZTR1-related schwannomatosis (SWN) and would be expected to cause autosomal recessive Noonan syndrome when present along with a second pathogenic or likely pathogenic variant on the other allele; however, the association of this alteration with autosomal dominant Noonan syndrome is unlikely.

Baylor Genetics
Classification: Likely pathogenic for LZTR1-related schwannomatosis. Last evaluated: 2022-12-06. Review status: criteria provided, single submitter. Criteria: ACMG Guidelines, 2015. Collection method: clinical testing. Allele origin: unknown.

PreventionGenetics, part of Exact Sciences
Classification: Likely pathogenic for LZTR1-related condition. Last evaluated: 2022-10-26. Review status: criteria provided, single submitter. Criteria: ACMG Guidelines, 2015. Collection method: clinical testing. Allele origin: germline.
Comment: The LZTR1 c.994-1G>A variant is predicted to disrupt the AG splice acceptor site and interfere with normal splicing. To our knowledge, this variant has not been reported in the literature. This variant is reported in 0.012% of alleles in individuals of African descent in gnomAD. Variants that disrupt the consensus splice acceptor site in LZTR1 are expected to be pathogenic. This variant is interpreted as likely pathogenic.

Literature cited by the submitters: PubMed 16199547 (cited by Labcorp Genetics (formerly Invitae), Labcorp); PubMed 24362817 (cited by Labcorp Genetics (formerly Invitae), Labcorp); PubMed 25335493 (cited by Labcorp Genetics (formerly Invitae), Labcorp); PubMed 25480913 (cited by Labcorp Genetics (formerly Invitae), Labcorp); PubMed 25795793 (cited by Labcorp Genetics (formerly Invitae), Labcorp); PubMed 29469822 (cited by Labcorp Genetics (formerly Invitae), Labcorp); PubMed 30368668 (cited by Labcorp Genetics (formerly Invitae), Labcorp); PubMed 30442762 (cited by Labcorp Genetics (formerly Invitae), Labcorp); PubMed 30442766 (cited by Labcorp Genetics (formerly Invitae), Labcorp); PubMed 30481304 (cited by Labcorp Genetics (formerly Invitae), Labcorp); PubMed 30859559 (cited by Labcorp Genetics (formerly Invitae), Labcorp).

NM_006767.4(LZTR1):c.994-1G>A

Gene: LZTR1 (leucine zipper like post translational regulator 1; plus strand). Cytogenetic location: 22q11.21.
Variant type: single nucleotide variant.
Coding change: c.994-1G>A on transcript NM_006767.4 (MANE Select); the canonical splice acceptor site of the intron before coding-DNA position 994, G replaced by A.
Molecular consequence: splice acceptor variant.
Genome position (GRCh38, 1-based): chr22:20,992,213, G>A. VCF-style: chr22-20992213-G-A. GRCh37 (hg19) VCF-style: chr22-21346502-G-A.
Identifiers: ClinVar variation 1768685 (VCV001768685.8), dbSNP rs758238174, ClinGen allele CA410781712.
Genomic context (GRCh38, chr22:20,992,213, plus strand): 5'-CTCTGGGCACCTACCTGGCCCTTGCCAACTGGTCTCATGCCCATGTGTCTCCCCTCTTCA[G>A]GTTGGTGGGGCTGAAGTGCCCGAGCGAGCCTGTGCTTCCGAGGAGGTGCCCACCCTGACC-3'